The following is an entry in ClinVar:

ClinVar aggregate classification (germline): Uncertain significance (1 of 4 stars; one submission).

Conditions:
Fanconi anemia (FA). Also called: Fanconi's anemia. Identifiers: Orphanet 84, MedGen C0015625, MeSH D005199, MONDO:0019391.

Submission:

Labcorp Genetics (formerly Invitae), Labcorp
Classification: Uncertain significance for Fanconi anemia. Last evaluated: 2024-08-31. Review status: criteria provided, single submitter. Criteria: Invitae Variant Classification Sherloc (09022015). Collection method: clinical testing. Allele origin: germline.
Comment: This sequence change replaces asparagine, which is neutral and polar, with threonine, which is neutral and polar, at codon 82 of the FANCF protein (p.Asn82Thr). This variant is not present in population databases (gnomAD no frequency). This variant has not been reported in the literature in individuals affected with FANCF-related conditions. Invitae Evidence Modeling of protein sequence and biophysical properties (such as structural, functional, and spatial information, amino acid conservation, physicochemical variation, residue mobility, and thermodynamic stability) indicates that this missense variant is not expected to disrupt FANCF protein function with a negative predictive value of 80%. In summary, the available evidence is currently insufficient to determine the role of this variant in disease. Therefore, it has been classified as a Variant of Uncertain Significance.

NM_022725.4(FANCF):c.245A>C (p.Asn82Thr)

Gene: FANCF (FA complementation group F; minus strand). Cytogenetic location: 11p14.3.
Variant type: single nucleotide variant.
Coding change: c.245A>C on transcript NM_022725.4 (MANE Select); coding-DNA position 245, A replaced by C.
Protein change: p.Asn82Thr; replaces asparagine 82 with threonine.
Molecular consequence: missense variant.
Genome position (GRCh38, 1-based): chr11:22,625,566, T>G on the plus strand (A>C on the coding strand, the complement: FANCF is on the minus strand). VCF-style: chr11-22625566-T-G. GRCh37 (hg19) VCF-style: chr11-22647112-T-G.
Other names: short protein forms N82T.
Identifiers: ClinVar variation 3664025 (VCV003664025.2).